The following is an entry in ClinVar:

ClinVar aggregate classification (germline): Conflicting classifications of pathogenicity. Review status: criteria provided, conflicting classifications (1 of 4 stars). 6 submissions from 6 submitters: Uncertain significance (3); Likely benign (3). Last evaluated 2026-01-09.

Conditions:
Autoinflammatory syndrome. Identifiers: Orphanet 93665, MedGen C3890737, MONDO:0019751.
Lysinuric protein intolerance (LPI). Identifiers: Orphanet 470, MedGen C0268647, MONDO:0009109, OMIM 222700.

Allele frequency attached by ClinVar (database versions not stated): gnomAD 0.00008 and 0.00009; TOPMed 0.00009; gnomAD exomes 0.00012 and 0.00020; ExAC 0.00015; ESP Exome Variant Server 0.00038.
gnomAD v4.1: 203 of 1,614,010 alleles (0.013%); highest among the groups gnomAD compares: Middle Eastern, 0.049%; no homozygotes.

Submissions (6):

Labcorp Genetics (formerly Invitae), Labcorp
Classification: Likely benign for Lysinuric protein intolerance. Last evaluated: 2026-01-09. Review status: criteria provided, single submitter. Criteria: Invitae Variant Classification Sherloc (09022015). Collection method: clinical testing. Allele origin: germline.

CeGaT Center for Human Genetics Tuebingen
Classification: Uncertain significance. Last evaluated: 2026-01-01. Review status: criteria provided, single submitter. Criteria: CeGaT Center For Human Genetics Tuebingen Variant Classification Criteria Version 2. Collection method: clinical testing. Allele origin: germline. Affected: yes. Observed: 1 variant allele.
Comment: SLC7A7: PM2

Mayo Clinic Laboratories, Mayo Clinic
Classification: Likely benign. Last evaluated: 2025-08-06. Review status: criteria provided, single submitter. Criteria: ACMG Guidelines, 2015. Collection method: clinical testing. Allele origin: germline. Observed: 1 variant allele.
Comment: BS1, BP4

Genome-Nilou Lab
Classification: Likely benign for Lysinuric protein intolerance. Last evaluated: 2021-11-07. Review status: criteria provided, single submitter. Criteria: ACMG Guidelines, 2015. Collection method: clinical testing. Allele origin: germline. Affected: no.

Genome Diagnostics Laboratory, The Hospital for Sick Children
Classification: Uncertain significance for Autoinflammatory syndrome. Last evaluated: 2020-03-01. Review status: criteria provided, single submitter. Criteria: ACMG Guidelines, 2015. Collection method: clinical testing. Allele origin: germline. Affected: yes.

Illumina Laboratory Services, Illumina
Classification: Uncertain significance for Lysinuric protein intolerance. Last evaluated: 2018-01-13. Review status: criteria provided, single submitter. Criteria: ICSL Variant Classification Criteria 13 December 2019. Collection method: clinical testing. Allele origin: germline.

NM_003982.4(SLC7A7):c.1128A>C (p.Glu376Asp)

Gene: SLC7A7 (solute carrier family 7 member 7; minus strand). Cytogenetic location: 14q11.2.
Variant type: single nucleotide variant.
Coding change: c.1128A>C on transcript NM_003982.4 (MANE Select); coding-DNA position 1128, A replaced by C.
Protein change: p.Glu376Asp; replaces glutamic acid 376 with aspartic acid.
Molecular consequence: missense variant.
Genome position (GRCh38, 1-based): chr14:22,774,471, T>G on the plus strand (A>C on the coding strand, the complement: SLC7A7 is on the minus strand). VCF-style: chr14-22774471-T-G. GRCh37 (hg19) VCF-style: chr14-23243680-T-G.
Other names: p.Glu376Asp; c.1128A>C, p.Glu376Asp (NM_001126105.3, NM_001126106.4); short protein forms E376D.
Identifiers: ClinVar variation 312815 (VCV000312815.26), dbSNP rs139619724, ClinGen allele CA7104471.